The following is an entry in ClinVar:

NM_138694.4(PKHD1):c.1597_1598insG (p.His533fs)

Gene: PKHD1 (PKHD1 ciliary IPT domain containing fibrocystin/polyductin; minus strand). Cytogenetic location: 6p12.2.
Variant type: Insertion.
Coding change: c.1597_1598insG on transcript NM_138694.4 (MANE Select); coding-DNA positions 1597 to 1598, G inserted.
Protein change: p.His533fs; shifts the reading frame from histidine 533.
Molecular consequence: frameshift variant.
Genome position: GRCh38 VCF-style: chr6-52056894-T-TC. GRCh37 (hg19) VCF-style: chr6-51921692-T-TC.
Other names: c.1597_1598insG, p.His533fs (NM_170724.3); short protein forms H533fs.
Identifiers: ClinVar variation 1724633 (VCV001724633.2), dbSNP rs2533340936, ClinGen allele CA2580075603.

ClinVar aggregate classification (germline): Likely pathogenic (1 of 4 stars; one submission).

Conditions:
Polycystic kidney disease 4 (PKD4). Also called: POLYCYSTIC KIDNEY AND HEPATIC DISEASE 1; POLYCYSTIC KIDNEY DISEASE, INFANTILE, TYPE I; POLYCYSTIC KIDNEY DISEASE 4 WITH OR WITHOUT POLYCYSTIC LIVER DISEASE; PKD3; Autosomal Recessive Polycystic Kidney Disease – PKHD1. Identifiers: MedGen C4540575, MONDO:0033004, OMIM 263200.

Submission:

Myriad Genetics, Inc.
Classification: Likely pathogenic for Polycystic kidney disease 4. Last evaluated: 2022-02-24. Review status: criteria provided, single submitter. Criteria: Myriad Women's Health Autosomal Recessive and X-Linked Classification Criteria (2021). Collection method: clinical testing. Allele origin: unknown.
Comment: NM_138694.3(PKHD1):c.1597_1598insG(H533Rfs*8) is expected to be pathogenic in the context of autosomal recessive polycystic kidney disease, PKHD1-related. This variant is predicted to lead to an abnormal or absent protein product due to the creation of a premature termination codon in PKHD1, a gene where loss-of-function variants are known to be pathogenic. Please note: this variant was assessed in the context of healthy population screening.